The following is an entry in ClinVar:

ClinVar aggregate classification (germline): Uncertain significance (1 of 4 stars; one submission).

Conditions:
Charcot-Marie-Tooth disease axonal type 2O. Also called: Charcot-Marie-Tooth Neuropathy Type 2O; CHARCOT-MARIE-TOOTH NEUROPATHY, AXONAL, TYPE 2O; CHARCOT-MARIE-TOOTH DISEASE, AXONAL, AUTOSOMAL DOMINANT, TYPE 2O; Charcot-Marie-Tooth disease, axonal, type 20. Identifiers: Orphanet 284232, MedGen C3280220, MONDO:0013644, OMIM 614228.

Submission:

Labcorp Genetics (formerly Invitae), Labcorp
Classification: Uncertain significance for Charcot-Marie-Tooth disease axonal type 2O. Last evaluated: 2024-05-22. Review status: criteria provided, single submitter. Criteria: Invitae Variant Classification Sherloc (09022015). Collection method: clinical testing. Allele origin: germline.
Comment: This sequence change falls in intron 70 of the DYNC1H1 gene. It does not directly change the encoded amino acid sequence of the DYNC1H1 protein. It affects a nucleotide within the consensus splice site. This variant is not present in population databases (gnomAD no frequency). This variant has not been reported in the literature in individuals affected with DYNC1H1-related conditions. ClinVar contains an entry for this variant (Variation ID: 665811). Variants that disrupt the consensus splice site are a relatively common cause of aberrant splicing (PMID: 17576681, 9536098). Algorithms developed to predict the effect of sequence changes on RNA splicing suggest that this variant may disrupt the consensus splice site. In summary, the available evidence is currently insufficient to determine the role of this variant in disease. Therefore, it has been classified as a Variant of Uncertain Significance.

Literature cited by the submitters: PubMed 17576681; PubMed 9536098.

NM_001376.5(DYNC1H1):c.12684+2_12684+5dup

Gene: DYNC1H1 (dynein cytoplasmic 1 heavy chain 1; plus strand). Cytogenetic location: 14q32.31.
Variant type: Duplication.
Coding change: c.12684+2_12684+5dup on transcript NM_001376.5 (MANE Select); the canonical splice donor site of the intron after coding-DNA position 12684 through 5 bases into the intron after coding-DNA position 12684, 4 bases duplicated (CAAG; older notation c.12684+2_12684+5dupCAAG).
Molecular consequence: splice donor variant.
Genome position (GRCh38, 1-based): chr14:102,044,047-102,044,050, CAAG duplicated; duplicating any 4 consecutive bases within chr14:102,044,046-102,044,050 gives the same sequence; the c. name uses the placement nearest the transcript's 3' end. VCF-style (leftmost placement, unchanged base first): chr14-102044045-G-GGCAA. GRCh37 (hg19) VCF-style: chr14-102510382-G-GGCAA.
Other names: c.12684+2_12684+5dupCAAG (NM_001376.4).
Identifiers: ClinVar variation 665811 (VCV000665811.6), dbSNP rs769593920, ClinGen allele CA7353991.